The following is an entry in ClinVar:

ClinVar aggregate classification (germline): Uncertain significance (1 of 4 stars; one submission).

Allele frequency attached by ClinVar (database versions not stated): gnomAD 0.00001; gnomAD exomes 0.00001; TOPMed 0.00002.
gnomAD v4.1: 9 of 1,606,504 alleles (0.00056%); highest among the groups gnomAD compares: East Asian, 0.011%; no homozygotes.

Submission:

Labcorp Genetics (formerly Invitae), Labcorp
Classification: Uncertain significance. Last evaluated: 2022-09-28. Review status: criteria provided, single submitter. Criteria: Invitae Variant Classification Sherloc (09022015). Collection method: clinical testing. Allele origin: germline.
Comment: This variant has not been reported in the literature in individuals affected with ICK-related conditions. This variant is present in population databases (no rsID available, gnomAD 0.004%). This sequence change replaces isoleucine, which is neutral and non-polar, with valine, which is neutral and non-polar, at codon 501 of the ICK protein (p.Ile501Val). In summary, the available evidence is currently insufficient to determine the role of this variant in disease. Therefore, it has been classified as a Variant of Uncertain Significance. Advanced modeling of protein sequence and biophysical properties (such as structural, functional, and spatial information, amino acid conservation, physicochemical variation, residue mobility, and thermodynamic stability) performed at Invitae indicates that this missense variant is not expected to disrupt ICK protein function.

NM_014920.5(CILK1):c.1501A>G (p.Ile501Val)

Gene: CILK1 (ciliogenesis associated kinase 1; minus strand). Cytogenetic location: 6p12.1.
Variant type: single nucleotide variant.
Coding change: c.1501A>G on transcript NM_014920.5 (MANE Select); coding-DNA position 1501, A replaced by G.
Protein change: p.Ile501Val; replaces isoleucine 501 with valine.
Molecular consequence: missense variant. On other transcripts: non-coding transcript variant (1).
Genome position (GRCh38, 1-based): chr6:53,009,559, T>C on the plus strand (A>G on the coding strand, the complement: CILK1 is on the minus strand). VCF-style: chr6-53009559-T-C. GRCh37 (hg19) VCF-style: chr6-52874357-T-C.
Other names: c.1522A>G, p.Ile508Val (NM_001375397.1); c.1501A>G, p.Ile501Val (NM_001375398.1, NM_001375399.1, NM_001375400.1 and 3 more transcripts); short protein forms I501V, I508V.
Identifiers: ClinVar variation 2420276 (VCV002420276.6), dbSNP rs1307732378, ClinGen allele CA364466386.
Genomic context (GRCh38, chr6:53,009,559, plus strand): 5'-TAGACCATGGATTAGGTGGAATAAATTCCTTGCCTGGATTCGAGAGTATGCCATTTCTTA[T>C]ACTGATCCCTGATAGAGAAGAAATGATTTTAAAATGCAAAATACACAATGAATCTTACAC-3'
Protein context (NP_055735.1, residues 491-511): KHSRYLPGIS[Ile501Val]RNGILSNPGK